The following is an entry in ClinVar:

ClinVar aggregate classification (germline): Uncertain significance (1 of 4 stars; one submission).

Conditions:
Wilms tumor 1 (WT1). Also called: Wilms tumor, somatic. Identifiers: Orphanet 654, MedGen CN033288, MONDO:0008679, OMIM 194070.

Submission:

Labcorp Genetics (formerly Invitae), Labcorp
Classification: Uncertain significance for Wilms tumor 1. Last evaluated: 2019-07-17. Review status: criteria provided, single submitter. Criteria: Invitae Variant Classification Sherloc (09022015). Collection method: clinical testing. Allele origin: germline.
Comment: This sequence change replaces asparagine with isoleucine at codon 518 of the GPC3 protein (p.Asn518Ile). The asparagine residue is moderately conserved and there is a large physicochemical difference between asparagine and isoleucine. This variant is not present in population databases (ExAC no frequency). This variant has not been reported in the literature in individuals with GPC3-related conditions. Algorithms developed to predict the effect of missense changes on protein structure and function are either unavailable or do not agree on the potential impact of this missense change (SIFT: "Deleterious"; PolyPhen-2: "Probably Damaging"; Align-GVGD: "Class C0"). In summary, the available evidence is currently insufficient to determine the role of this variant in disease. Therefore, it has been classified as a Variant of Uncertain Significance.

NM_004484.4(GPC3):c.1553A>T (p.Asn518Ile)

Gene: GPC3 (glypican 3; minus strand). Cytogenetic location: Xq26.2.
Variant type: single nucleotide variant.
Coding change: c.1553A>T on transcript NM_004484.4 (MANE Select); coding-DNA position 1553, A replaced by T.
Protein change: p.Asn518Ile; replaces asparagine 518 with isoleucine.
Molecular consequence: missense variant.
Genome position (GRCh38, 1-based): chrX:133,596,460, T>A on the plus strand (A>T on the coding strand, the complement: GPC3 is on the minus strand). VCF-style: chrX-133596460-T-A. GRCh37 (hg19) VCF-style: chrX-132730488-T-A.
Other names: c.1622A>T, p.Asn541Ile (NM_001164617.2); c.1505A>T, p.Asn502Ile (NM_001164618.2); c.1391A>T, p.Asn464Ile (NM_001164619.2); short protein forms N518I, N541I, N464I, N502I.
Identifiers: ClinVar variation 959289 (VCV000959289.10), dbSNP rs2069915935, ClinGen allele CA414700748.